The following is an entry in ClinVar:

NM_030943.4(AMN):c.34C>T (p.Gln12Ter)

Gene: AMN (amnion associated transmembrane protein; plus strand). Cytogenetic location: 14q32.32.
Variant type: single nucleotide variant.
Coding change: c.34C>T on transcript NM_030943.4 (MANE Select); coding-DNA position 34, C replaced by T.
Protein change: p.Gln12Ter; replaces glutamine 12 with a stop codon.
Molecular consequence: nonsense.
Genome position (GRCh38, 1-based): chr14:102,922,722, C>T. VCF-style: chr14-102922722-C-T. GRCh37 (hg19) VCF-style: chr14-103389059-C-T.
Other names: c.-148C>T (NM_001425246.1); short protein forms Q12*.
Identifiers: ClinVar variation 3012147 (VCV003012147.3), dbSNP rs1891083321, ClinGen allele CA391078968.
Genomic context (GRCh38, chr14:102,922,722, plus strand): 5'-TGGTGGGGTGCAAGGAGCCGAGGCGAGATGGGCGTCCTGGGCCGGGTCCTGCTGTGGCTG[C>T]AGCTCTGCGGTGAGCCGGGACCACACCGGTGCGGGCCCGGACGGTAGCGGTCTGTCAGGA-3'

ClinVar aggregate classification (germline): Pathogenic (1 of 4 stars; one submission).

Conditions:
Imerslund-Grasbeck syndrome. Also called: Megaloblastic anemia due to inborn errors of metabolism; Imerslund-Gräsbeck syndrome; ENTEROCYTE COBALAMIN MALABSORPTION; ENTEROCYTE INTRINSIC FACTOR RECEPTOR, DEFECT OF; PERNICIOUS ANEMIA, JUVENILE, DUE TO SELECTIVE INTESTINAL MALABSORPTION OF VITAMIN B12, WITH PROTEINURIA. Identifiers: Orphanet 35858, MedGen C4551825, MONDO:0009853.

Allele frequency attached by ClinVar (database versions not stated): gnomAD 0.00001; gnomAD exomes 0.00002.
gnomAD v4.1: 24 of 1,591,900 alleles (0.0015%); highest among the groups gnomAD compares: Non-Finnish European, 0.0019%; no homozygotes.

Submission:

Labcorp Genetics (formerly Invitae), Labcorp
Classification: Pathogenic for Imerslund-Grasbeck syndrome. Last evaluated: 2024-01-24. Review status: criteria provided, single submitter. Criteria: Invitae Variant Classification Sherloc (09022015). Collection method: clinical testing. Allele origin: germline.
Comment: This sequence change creates a premature translational stop signal (p.Gln12*) in the AMN gene. It is expected to result in an absent or disrupted protein product. Loss-of-function variants in AMN are known to be pathogenic (PMID: 12590260, 22929189). This variant is not present in population databases (gnomAD no frequency). This variant has not been reported in the literature in individuals affected with AMN-related conditions. For these reasons, this variant has been classified as Pathogenic.

Literature cited by the submitters: PubMed 12590260; PubMed 22929189.